The following is an entry in ClinVar:

ClinVar aggregate classification (germline): Uncertain significance. Review status: criteria provided, multiple submitters, no conflicts (2 of 4 stars). 5 submissions from 5 submitters: Uncertain significance (5). Last evaluated 2025-03-25.

Conditions:
Familial cancer of breast. Also called: Hereditary breast cancer; hereditary breast carcinoma; BREAST CANCER, FAMILIAL. Identifiers: Orphanet 227535, MedGen C0346153, MONDO:0016419, OMIM 114480. Disease mechanism: loss of function.
Hereditary cancer-predisposing syndrome. Also called: Hereditary Cancer Syndrome; Neoplastic Syndromes, Hereditary; Hereditary neoplastic syndrome; Tumor predisposition. Identifiers: Orphanet 140162, MedGen C0027672, MeSH D009386, MONDO:0015356.
Ataxia-telangiectasia syndrome (AT). Also called: Cerebello-oculocutaneous telangiectasia; Immunodeficiency with ataxia telangiectasia; Ataxia-telangiectasia, complementation group E; Ataxia-telangiectasia, complementation group D; AT, COMPLEMENTATION GROUP C; ATAXIA-TELANGIECTASIA, COMPLEMENTATION GROUP A. Identifiers: Orphanet 100, MedGen C0004135, MONDO:0008840, OMIM 208900.

Allele frequency attached by ClinVar (database versions not stated): gnomAD exomes below 0.00001; ExAC 0.00001.
gnomAD v4.1: 1 of 1,614,022 alleles (0.000062%); highest among the groups gnomAD compares: Admixed American, 0.0017%; no homozygotes.

Submissions (5):

Ambry Genetics
Classification: Uncertain significance for Hereditary cancer-predisposing syndrome. Last evaluated: 2025-03-25. Review status: criteria provided, single submitter. Criteria: Ambry Variant Classification Scheme 2023. Collection method: clinical testing. Allele origin: germline.
Comment: The p.D1067Y variant (also known as c.3199G>T), located in coding exon 21 of the ATM gene, results from a G to T substitution at nucleotide position 3199. The aspartic acid at codon 1067 is replaced by tyrosine, an amino acid with highly dissimilar properties. This amino acid position is not well conserved in available vertebrate species. In addition, the in silico prediction for this alteration is inconclusive. Since supporting evidence is limited at this time, the clinical significance of this alteration remains unclear.

Baylor Genetics
Classification: Uncertain significance for Familial cancer of breast. Last evaluated: 2024-01-09. Review status: criteria provided, single submitter. Criteria: ACMG Guidelines, 2015. Collection method: clinical testing. Allele origin: unknown.

Labcorp Genetics (formerly Invitae), Labcorp
Classification: Uncertain significance for Ataxia-telangiectasia syndrome. Last evaluated: 2022-07-19. Review status: criteria provided, single submitter. Criteria: Invitae Variant Classification Sherloc (09022015). Collection method: clinical testing. Allele origin: germline.
Comment: This sequence change replaces aspartic acid, which is acidic and polar, with tyrosine, which is neutral and polar, at codon 1067 of the ATM protein (p.Asp1067Tyr). This variant is present in population databases (rs766342338, gnomAD 0.003%). This variant has not been reported in the literature in individuals affected with ATM-related conditions. ClinVar contains an entry for this variant (Variation ID: 823152). Advanced modeling of protein sequence and biophysical properties (such as structural, functional, and spatial information, amino acid conservation, physicochemical variation, residue mobility, and thermodynamic stability) performed at Invitae indicates that this missense variant is not expected to disrupt ATM protein function. In summary, the available evidence is currently insufficient to determine the role of this variant in disease. Therefore, it has been classified as a Variant of Uncertain Significance.

GeneDx
Classification: Uncertain significance. Last evaluated: 2019-10-08. Review status: criteria provided, single submitter. Criteria: GeneDx Variant Classification Process June 2021. Collection method: clinical testing. Allele origin: germline. Affected: yes.
Comment: Not observed at a significant frequency in large population cohorts (Lek 2016); In silico analysis, which includes protein predictors and evolutionary conservation, supports a deleterious effect; Has not been previously published as a pathogenic or benign germline variant to our knowledge; This variant is associated with the following publications: (PMID: 30979843)

Color Diagnostics, LLC DBA Color Health
Classification: Uncertain significance for Hereditary cancer-predisposing syndrome. Last evaluated: 2019-09-13. Review status: criteria provided, single submitter. Criteria: ACMG Guidelines, 2015. Collection method: clinical testing. Allele origin: germline.
Comment: This missense variant replaces aspartic acid with tyrosine at codon 1067 of the ATM protein. Computational prediction tool suggests that this variant may not impact protein structure and function (internally defined REVEL score threshold ≤0.5, PMID: 27666373). Splice site prediction tools suggest that this variant may not impact RNA splicing. To our knowledge, functional studies have not been performed for this variant. This variant has not been reported in individuals affected with hereditary cancer in the literature. This variant has been identified in 1/251348 chromosomes in the general population by the Genome Aggregation Database (gnomAD). The available evidence is insufficient to determine the role of this variant in disease conclusively. Therefore, this variant is classified as a Variant of Uncertain Significance.

NM_000051.4(ATM):c.3199G>T (p.Asp1067Tyr)

Gene: ATM (ATM serine/threonine kinase; plus strand). Cytogenetic location: 11q22.3.
Variant type: single nucleotide variant.
Coding change: c.3199G>T on transcript NM_000051.4 (MANE Select); coding-DNA position 3199, G replaced by T.
Protein change: p.Asp1067Tyr; replaces aspartic acid 1067 with tyrosine.
Molecular consequence: missense variant.
Genome position (GRCh38, 1-based): chr11:108,272,767, G>T. VCF-style: chr11-108272767-G-T. GRCh37 (hg19) VCF-style: chr11-108143494-G-T.
Other names: c.3199G>T, p.Asp1067Tyr (NM_001351834.2); short protein forms D1067Y.
Identifiers: ClinVar variation 823152 (VCV000823152.17), dbSNP rs766342338, ClinGen allele CA6265224.